The following is an entry in ClinVar:

ClinVar aggregate classification (germline): Uncertain significance (1 of 4 stars; one submission).

Conditions:
Intellectual developmental disorder, autosomal dominant 1. Also called: MBD5 Haploinsufficiency; Intellectual disability, autosomal dominant 1. Identifiers: Orphanet 228402, MedGen C1969562, MONDO:0007974, OMIM 156200.

gnomAD v4.1: 5 of 1,613,622 alleles (0.00031%); highest among the groups gnomAD compares: Middle Eastern, 0.016%; no homozygotes.

Submission:

Labcorp Genetics (formerly Invitae), Labcorp
Classification: Uncertain significance for Intellectual developmental disorder, autosomal dominant 1. Last evaluated: 2025-01-20. Review status: criteria provided, single submitter. Criteria: Invitae Variant Classification Sherloc (09022015). Collection method: clinical testing. Allele origin: germline.
Comment: This sequence change replaces threonine, which is neutral and polar, with isoleucine, which is neutral and non-polar, at codon 465 of the MBD5 protein (p.Thr465Ile). This variant is not present in population databases (gnomAD no frequency). This variant has not been reported in the literature in individuals affected with MBD5-related conditions. Invitae Evidence Modeling of protein sequence and biophysical properties (such as structural, functional, and spatial information, amino acid conservation, physicochemical variation, residue mobility, and thermodynamic stability) indicates that this missense variant is not expected to disrupt MBD5 protein function with a negative predictive value of 80%. In summary, the available evidence is currently insufficient to determine the role of this variant in disease. Therefore, it has been classified as a Variant of Uncertain Significance.

NM_001378120.1(MBD5):c.1394C>T (p.Thr465Ile)

Gene: MBD5 (methyl-CpG binding domain protein 5; plus strand). Cytogenetic location: 2q23.1.
Variant type: single nucleotide variant.
Coding change: c.1394C>T on transcript NM_001378120.1 (MANE Select); coding-DNA position 1394, C replaced by T.
Protein change: p.Thr465Ile; replaces threonine 465 with isoleucine.
Molecular consequence: missense variant.
Genome position (GRCh38, 1-based): chr2:148,469,337, C>T. VCF-style: chr2-148469337-C-T. GRCh37 (hg19) VCF-style: chr2-149226906-C-T.
Other names: c.1394C>T, p.Thr465Ile (NM_018328.5); short protein forms T465I.
Identifiers: ClinVar variation 3658229 (VCV003658229.2).